The following is an entry in ClinVar:

NM_153704.6(TMEM67):c.2132A>C (p.Asp711Ala)

Gene: TMEM67 (transmembrane protein 67; plus strand). Cytogenetic location: 8q22.1.
Variant type: single nucleotide variant.
Coding change: c.2132A>C on transcript NM_153704.6 (MANE Select); coding-DNA position 2132, A replaced by C.
Protein change: p.Asp711Ala; replaces aspartic acid 711 with alanine.
Molecular consequence: missense variant. On other transcripts: non-coding transcript variant (1).
Genome position (GRCh38, 1-based): chr8:93,799,649, A>C. VCF-style: chr8-93799649-A-C. GRCh37 (hg19) VCF-style: chr8-94811877-A-C.
Other names: c.1889A>C, p.Asp630Ala (NM_001142301.1); c.2132A>C (NM_153704.5); short protein forms D630A, D711A.
Identifiers: ClinVar variation 195631 (VCV000195631.12), dbSNP rs781383498, ClinGen allele CA242109.

ClinVar aggregate classification (germline): Conflicting classifications of pathogenicity. Review status: criteria provided, conflicting classifications (1 of 4 stars). 4 submissions from 4 submitters: Pathogenic (1); Likely pathogenic (1); Uncertain significance (2). Last evaluated 2025-09-18.

Conditions:
Meckel-Gruber syndrome. Also called: Dysencephalia splachnocystica; DYSENCEPHALIA SPLANCHNOCYSTICA; GRUBER SYNDROME. Identifiers: Orphanet 564, MedGen C0265215, MONDO:0018921.
Joubert syndrome. Also called: Familial aplasia of the vermis; JOUBERT-BOLTSHAUSER SYNDROME. Identifiers: Orphanet 475, MedGen C5979921, MONDO:0018772.
Joubert syndrome 6 (JBTS6). Identifiers: Orphanet 475, MedGen C1853153, MONDO:0012539, OMIM 610688.

Allele frequency attached by ClinVar (database versions not stated): gnomAD 0.00002; ExAC 0.00001; gnomAD exomes 0.00001; TOPMed 0.00001.
gnomAD v4.1: 10 of 1,613,494 alleles (0.00062%); highest among the groups gnomAD compares: African/African-American, 0.0013%; no homozygotes.

Submissions (4):

Women's Health and Genetics/Laboratory Corporation of America, LabCorp
Classification: Likely pathogenic for Joubert syndrome 6. Last evaluated: 2025-09-18. Review status: criteria provided, single submitter. Criteria: LabCorp Variant Classification Summary - May 2015. Collection method: clinical testing. Allele origin: germline.
Comment: Variant summary: TMEM67 c.2132A>C (p.Asp711Ala) results in a non-conservative amino acid change in the encoded protein sequence. Algorithms developed to predict the effect of missense changes on protein structure and function all suggest that this variant is likely to be disruptive. The variant allele was found at a frequency of 8e-06 in 251342 control chromosomes (gnomAD). c.2132A>C has been observed in compound heterozygous and homozygous state in individuals affected with Joubert Syndrome (Baala_2007, Petzold_2023 and Srour_2015). These data indicate that the variant is likely to be associated with disease. To our knowledge, no experimental evidence demonstrating an impact on protein function has been reported. The following publications have been ascertained in the context of this evaluation (PMID: 17160906, 26477546, 37230223). ClinVar contains an entry for this variant (Variation ID: 195631). Based on the evidence outlined above, the variant was classified as likely pathogenic.

Blueprint Genetics
Classification: Uncertain significance. Last evaluated: 2023-11-13. Review status: criteria provided, single submitter. Criteria: ACMG Guidelines, 2015. Collection method: clinical testing. Allele origin: germline.

Labcorp Genetics (formerly Invitae), Labcorp
Classification: Pathogenic for Joubert syndrome; Meckel-Gruber syndrome. Last evaluated: 2023-10-05. Review status: criteria provided, single submitter. Criteria: Invitae Variant Classification Sherloc (09022015). Collection method: clinical testing. Allele origin: germline.
Comment: This sequence change replaces aspartic acid, which is acidic and polar, with alanine, which is neutral and non-polar, at codon 711 of the TMEM67 protein (p.Asp711Ala). This variant is present in population databases (rs781383498, gnomAD 0.002%). This missense change has been observed in individual(s) with Joubert syndrome (PMID: 17160906, 26477546). ClinVar contains an entry for this variant (Variation ID: 195631). Advanced modeling of protein sequence and biophysical properties (such as structural, functional, and spatial information, amino acid conservation, physicochemical variation, residue mobility, and thermodynamic stability) performed at Invitae indicates that this missense variant is expected to disrupt TMEM67 protein function. For these reasons, this variant has been classified as Pathogenic.

Eurofins Ntd Llc (ga)
Classification: Uncertain significance. Last evaluated: 2014-12-10. Review status: criteria provided, single submitter. Criteria: EGL Classification Definitions 2015. Collection method: clinical testing. Allele origin: germline. Observed: 1 variant allele, 1 heterozygote.

Literature cited by the submitters: PubMed 26477546 (cited by Women's Health and Genetics/Laboratory Corporation of America, LabCorp and Labcorp Genetics (formerly Invitae), Labcorp); PubMed 17160906 (cited by 3 submitters); PubMed 37230223 (cited by Women's Health and Genetics/Laboratory Corporation of America, LabCorp).